The following is an entry in ClinVar:

ClinVar aggregate classification (germline): Likely benign. Review status: criteria provided, multiple submitters, no conflicts (2 of 4 stars). 2 submissions from 2 submitters: Likely benign (2). Last evaluated 2025-12-29.

Conditions:
Gorlin syndrome. Also called: Nevoid Basal Cell Carcinoma Syndrome; Basal cell nevus syndrome. Identifiers: Orphanet 377, MedGen C0004779, MONDO:0007187.

Allele frequency attached by ClinVar (database versions not stated): ESP Exome Variant Server 0.00023; ExAC 0.00025; gnomAD exomes 0.00027 and 0.00035; TOPMed 0.00034; gnomAD 0.00035 and 0.00036; 1000 Genomes Project 0.00040; 1000 Genomes Project 30x 0.00047.
gnomAD v4.1: 567 of 1,614,058 alleles (0.035%); highest among the groups gnomAD compares: Admixed American, 0.052%; no homozygotes.

Submissions (2):

Labcorp Genetics (formerly Invitae), Labcorp
Classification: Likely benign for Gorlin syndrome. Last evaluated: 2025-12-29. Review status: criteria provided, single submitter. Criteria: Invitae Variant Classification Sherloc (09022015). Collection method: clinical testing. Allele origin: germline.

CeGaT Center for Human Genetics Tuebingen
Classification: Likely benign. Last evaluated: 2025-04-01. Review status: criteria provided, single submitter. Criteria: CeGaT Center For Human Genetics Tuebingen Variant Classification Criteria Version 2. Collection method: clinical testing. Allele origin: germline. Affected: yes. Observed: 7 variant alleles.
Comment: PTCH2: BP4, BP7

NM_003738.5(PTCH2):c.2184C>T (p.Ser728=)

Gene: PTCH2 (patched 2; minus strand). Cytogenetic location: 1p34.1.
Variant type: single nucleotide variant.
Coding change: c.2184C>T on transcript NM_003738.5 (MANE Select); coding-DNA position 2184, C replaced by T.
Protein change: p.Ser728=; no amino-acid change (serine 728 retained).
Molecular consequence: synonymous variant.
Genome position (GRCh38, 1-based): chr1:44,827,589, G>A on the plus strand (C>T on the coding strand, the complement: PTCH2 is on the minus strand). VCF-style: chr1-44827589-G-A. GRCh37 (hg19) VCF-style: chr1-45293261-G-A.
Other names: c.2184C>T, p.Ser728= (NM_001166292.2).
Identifiers: ClinVar variation 524602 (VCV000524602.36), dbSNP rs146379791, ClinGen allele CA823088.